The following is an entry in ClinVar:

NM_000093.5(COL5A1):c.2653A>C (p.Ile885Leu)

Gene: COL5A1 (collagen type V alpha 1 chain; plus strand). Cytogenetic location: 9q34.3.
Variant type: single nucleotide variant.
Coding change: c.2653A>C on transcript NM_000093.5 (MANE Select); coding-DNA position 2653, A replaced by C.
Protein change: p.Ile885Leu; replaces isoleucine 885 with leucine.
Molecular consequence: missense variant.
Genome position (GRCh38, 1-based): chr9:134,789,161, A>C. VCF-style: chr9-134789161-A-C. GRCh37 (hg19) VCF-style: chr9-137681007-A-C.
Other names: c.2653A>C, p.Ile885Leu (NM_001278074.1); short protein forms I885L.
Identifiers: ClinVar variation 2858840 (VCV002858840.3), dbSNP rs781756159, ClinGen allele CA375455740.

ClinVar aggregate classification (germline): Uncertain significance (1 of 4 stars; one submission).

Conditions:
Ehlers-Danlos syndrome, classic type, 1 (EDSCL1). Also called: EHLERS-DANLOS SYNDROME, GRAVIS TYPE; EHLERS-DANLOS SYNDROME, SEVERE CLASSIC TYPE; Ehlers-Danlos syndrome, type 1; Ehlers-Danlos Syndrome, Classic Type, COL5A1-Related; EDS I. Identifiers: MedGen C0268335, MONDO:0019567, OMIM 130000.

Submission:

Labcorp Genetics (formerly Invitae), Labcorp
Classification: Uncertain significance for Ehlers-Danlos syndrome, classic type, 1. Last evaluated: 2023-04-24. Review status: criteria provided, single submitter. Criteria: Invitae Variant Classification Sherloc (09022015). Collection method: clinical testing. Allele origin: germline.
Comment: In summary, the available evidence is currently insufficient to determine the role of this variant in disease. Therefore, it has been classified as a Variant of Uncertain Significance. This sequence change replaces isoleucine, which is neutral and non-polar, with leucine, which is neutral and non-polar, at codon 885 of the COL5A1 protein (p.Ile885Leu). This variant is not present in population databases (gnomAD no frequency). This variant has not been reported in the literature in individuals affected with COL5A1-related conditions. Advanced modeling of protein sequence and biophysical properties (such as structural, functional, and spatial information, amino acid conservation, physicochemical variation, residue mobility, and thermodynamic stability) performed at Invitae indicates that this missense variant is not expected to disrupt COL5A1 protein function.